The following is an entry in ClinVar:

ClinVar aggregate classification (germline): Uncertain significance. Review status: criteria provided, multiple submitters, no conflicts (2 of 4 stars). 2 submissions from 2 submitters: Uncertain significance (2). Last evaluated 2023-12-07.

Allele frequency attached by ClinVar (database versions not stated): TOPMed 0.00001; ExAC 0.00002; gnomAD 0.00003.
gnomAD v4.1: 34 of 1,613,704 alleles (0.0021%); highest among the groups gnomAD compares: African/African-American, 0.0027%; no homozygotes.

Submissions (2):

Ambry Genetics
Classification: Uncertain significance. Last evaluated: 2023-12-07. Review status: criteria provided, single submitter. Criteria: Ambry Variant Classification Scheme 2023. Collection method: clinical testing. Allele origin: germline.

Labcorp Genetics (formerly Invitae), Labcorp
Classification: Uncertain significance. Last evaluated: 2022-08-22. Review status: criteria provided, single submitter. Criteria: Invitae Variant Classification Sherloc (09022015). Collection method: clinical testing. Allele origin: germline.
Comment: In summary, the available evidence is currently insufficient to determine the role of this variant in disease. Therefore, it has been classified as a Variant of Uncertain Significance. Algorithms developed to predict the effect of missense changes on protein structure and function (SIFT, PolyPhen-2, Align-GVGD) all suggest that this variant is likely to be disruptive. This variant has not been reported in the literature in individuals affected with HMCN1-related conditions. This variant is present in population databases (rs751919205, gnomAD 0.004%). This sequence change replaces aspartic acid, which is acidic and polar, with valine, which is neutral and non-polar, at codon 5510 of the HMCN1 protein (p.Asp5510Val).

NM_031935.3(HMCN1):c.16529A>T (p.Asp5510Val)

Genes: HMCN1 (hemicentin 1; plus strand), LOC126805953 (P300/CBP strongly-dependent group 1 enhancer GRCh37_chr1:186156636-186157835; plus strand). Cytogenetic location: 1q31.1.
Variant type: single nucleotide variant.
Coding change: c.16529A>T on transcript NM_031935.3 (MANE Select); coding-DNA position 16529, A replaced by T.
Protein change: p.Asp5510Val; replaces aspartic acid 5510 with valine.
Molecular consequence: missense variant.
Genome position (GRCh38, 1-based): chr1:186,187,997, A>T. VCF-style: chr1-186187997-A-T. GRCh37 (hg19) VCF-style: chr1-186157129-A-T.
Other names: c.16529A>T (NM_031935.2); short protein forms D5510V.
Identifiers: ClinVar variation 1913662 (VCV001913662.6), dbSNP rs751919205, ClinGen allele CA1295588.